The following is an entry in ClinVar:

ClinVar aggregate classification (germline): Uncertain significance (1 of 4 stars; one submission).

Submission:

Ambry Genetics
Classification: Uncertain significance. Last evaluated: 2025-06-26. Review status: criteria provided, single submitter. Criteria: Ambry Variant Classification Scheme 2023. Collection method: clinical testing. Allele origin: germline.
Comment: The p.S216F variant (also known as c.647C>T), located in coding exon 1 of the TET2 gene, results from a C to T substitution at nucleotide position 647. The serine at codon 216 is replaced by phenylalanine, an amino acid with highly dissimilar properties. This amino acid position is conserved. In addition, this alteration is predicted to be tolerated by in silico analysis. Based on the available evidence, the clinical significance of this variant remains unclear.

NM_001127208.3(TET2):c.647C>T (p.Ser216Phe)

Genes: TET2 (tet methylcytosine dioxygenase 2; plus strand), TET2-AS1 (TET2 antisense RNA 1; minus strand). Cytogenetic location: 4q24.
Variant type: single nucleotide variant.
Coding change: c.647C>T on transcript NM_001127208.3 (MANE Select); coding-DNA position 647, C replaced by T.
Protein change: p.Ser216Phe; replaces serine 216 with phenylalanine.
Molecular consequence: missense variant.
Genome position (GRCh38, 1-based): chr4:105,234,589, C>T. VCF-style: chr4-105234589-C-T. GRCh37 (hg19) VCF-style: chr4-106155746-C-T.
Other names: c.647C>T, p.Ser216Phe (NM_017628.4); short protein forms S216F.
Identifiers: ClinVar variation 4182937 (VCV004182937.1).